The following is an entry in ClinVar:

ClinVar aggregate classification (germline): Uncertain significance (1 of 4 stars; one submission).

gnomAD v4.1: 2 of 1,614,194 alleles (0.00012%); highest among the groups gnomAD compares: Non-Finnish European, 0.00017%; no homozygotes.

Submission:

Labcorp Genetics (formerly Invitae), Labcorp
Classification: Uncertain significance. Last evaluated: 2025-12-10. Review status: criteria provided, single submitter. Criteria: Invitae Variant Classification Sherloc (09022015). Collection method: clinical testing. Allele origin: germline.
Comment: This sequence change replaces proline, which is neutral and non-polar, with leucine, which is neutral and non-polar, at codon 1273 of the FLNB protein (p.Pro1273Leu). This variant is not present in population databases (gnomAD no frequency). This variant has not been reported in the literature in individuals affected with FLNB-related conditions. Invitae Evidence Modeling of protein sequence and biophysical properties (such as structural, functional, and spatial information, amino acid conservation, physicochemical variation, residue mobility, and thermodynamic stability) indicates that this missense variant is not expected to disrupt FLNB protein function with a negative predictive value of 80%. In summary, the available evidence is currently insufficient to determine the role of this variant in disease. Therefore, it has been classified as a Variant of Uncertain Significance.

NM_001457.4(FLNB):c.3818C>T (p.Pro1273Leu)

Gene: FLNB (filamin B; plus strand). Cytogenetic location: 3p14.3.
Variant type: single nucleotide variant.
Coding change: c.3818C>T on transcript NM_001457.4 (MANE Select); coding-DNA position 3818, C replaced by T.
Protein change: p.Pro1273Leu; replaces proline 1273 with leucine.
Molecular consequence: missense variant.
Genome position (GRCh38, 1-based): chr3:58,124,425, C>T. VCF-style: chr3-58124425-C-T. GRCh37 (hg19) VCF-style: chr3-58110152-C-T.
Other names: c.3818C>T, p.Pro1273Leu (NM_001164317.2, NM_001164318.2, NM_001164319.2); short protein forms P1273L.
Identifiers: ClinVar variation 4810700 (VCV004810700.1).